The following is an entry in ClinVar:

NM_052859.4(RFT1):c.110G>A (p.Arg37His)

Gene: RFT1 (RFT1 glycolipid translocator homolog; minus strand). Cytogenetic location: 3p21.1.
Variant type: single nucleotide variant.
Coding change: c.110G>A on transcript NM_052859.4 (MANE Select); coding-DNA position 110, G replaced by A.
Protein change: p.Arg37His; replaces arginine 37 with histidine.
Molecular consequence: missense variant.
Genome position (GRCh38, 1-based): chr3:53,125,948, C>T on the plus strand (G>A on the coding strand, the complement: RFT1 is on the minus strand). VCF-style: chr3-53125948-C-T. GRCh37 (hg19) VCF-style: chr3-53159964-C-T.
Other names: c.110G>A (NM_052859.3); short protein forms R37H.
Identifiers: ClinVar variation 1402586 (VCV001402586.7), dbSNP rs139153173, ClinGen allele CA2451548.

ClinVar aggregate classification (germline): Uncertain significance. Review status: criteria provided, multiple submitters, no conflicts (2 of 4 stars). 2 submissions from 2 submitters: Uncertain significance (2). Last evaluated 2025-10-07.

Conditions:
Inborn genetic diseases. Identifiers: MedGen C0950123, MeSH D030342.
RFT1-congenital disorder of glycosylation (CDG1N). Also called: CDG In; RFT1-CDG; Congenital disorder of glycosylation type In. Identifiers: Orphanet 244310, MedGen C2677590, MONDO:0012783, OMIM 612015.

Allele frequency attached by ClinVar (database versions not stated): gnomAD exomes 0.00002 and 0.00005; ExAC 0.00009; gnomAD 0.00009 and 0.00010; TOPMed 0.00014; ESP Exome Variant Server 0.00038.
gnomAD v4.1: 43 of 1,613,442 alleles (0.0027%); highest among the groups gnomAD compares: African/African-American, 0.029%; no homozygotes.

Submissions (2):

Ambry Genetics
Classification: Uncertain significance for Inborn genetic diseases. Last evaluated: 2025-10-07. Review status: criteria provided, single submitter. Criteria: Ambry Variant Classification Scheme 2023. Collection method: clinical testing. Allele origin: germline.

Labcorp Genetics (formerly Invitae), Labcorp
Classification: Uncertain significance for RFT1-congenital disorder of glycosylation. Last evaluated: 2022-10-18. Review status: criteria provided, single submitter. Criteria: Invitae Variant Classification Sherloc (09022015). Collection method: clinical testing. Allele origin: germline.
Comment: This sequence change replaces arginine, which is basic and polar, with histidine, which is basic and polar, at codon 37 of the RFT1 protein (p.Arg37His). This variant is present in population databases (rs139153173, gnomAD 0.04%). This variant has not been reported in the literature in individuals affected with RFT1-related conditions. ClinVar contains an entry for this variant (Variation ID: 1402586). Advanced modeling of protein sequence and biophysical properties (such as structural, functional, and spatial information, amino acid conservation, physicochemical variation, residue mobility, and thermodynamic stability) performed at Invitae indicates that this missense variant is not expected to disrupt RFT1 protein function. In summary, the available evidence is currently insufficient to determine the role of this variant in disease. Therefore, it has been classified as a Variant of Uncertain Significance.